The following is an entry in ClinVar:

NM_005157.6(ABL1):c.1880_1899del (p.Gln627fs)

Gene: ABL1 (ABL proto-oncogene 1, non-receptor tyrosine kinase; plus strand). Cytogenetic location: 9q34.12.
Variant type: Deletion.
Coding change: c.1880_1899del on transcript NM_005157.6 (MANE Select); coding-DNA positions 1880 to 1899, 20 bases deleted (AGCCGGAGCGCAGAGGGGCC).
Protein change: p.Gln627fs; shifts the reading frame from glutamine 627.
Molecular consequence: frameshift variant.
Genome position (GRCh38, 1-based): chr9:130,884,170-130,884,189, AGCCGGAGCGCAGAGGGGCC deleted; deleting any 20 consecutive bases within chr9:130,884,166-130,884,189 gives the same sequence; the c. name uses the placement nearest the transcript's 3' end. VCF-style (leftmost placement, unchanged base first): chr9-130884165-CGGCCAGCCGGAGCGCAGAGG-C. GRCh37 (hg19) VCF-style: chr9-133759552-CGGCCAGCCGGAGCGCAGAGG-C.
Other names: c.1937_1956del, p.Gln646fs (NM_007313.3); short protein forms Q627fs, Q646fs.
Identifiers: ClinVar variation 3376063 (VCV003376063.1).
Genomic context (GRCh38, chr9:130,884,165, plus strand): 5'-GAAGAAGAAGAAGACAGCCCCAACCCCTCCCAAACGCAGCAGCTCCTTCCGGGAGATGGA[CGGCCAGCCGGAGCGCAGAGG>C]GGCCGGCGAGGAAGAGGGCCGAGACATCAGCAACGGGGCACTGGCTTTCACCCCCTTGGA-3'

ClinVar aggregate classification (germline): Uncertain significance (1 of 4 stars; one submission).

Submission:

GeneDx
Classification: Uncertain significance. Last evaluated: 2024-05-08. Review status: criteria provided, single submitter. Criteria: GeneDx Variant Classification Process June 2021. Collection method: clinical testing. Allele origin: germline. Affected: yes.
Comment: Not observed at significant frequency in large population cohorts (gnomAD); Frameshift variant predicted to result in abnormal protein length as the last 504 amino acids are replaced with 21 different amino acids; Has not been previously published as pathogenic or benign to our knowledge